The following is an entry in ClinVar:

NM_000014.6(A2M):c.1495-10T>C

Genes: A2M (alpha-2-macroglobulin; minus strand), KLRG1 (killer cell lectin like receptor G1; plus strand). Cytogenetic location: 12p13.31.
Variant type: single nucleotide variant.
Coding change: c.1495-10T>C on transcript NM_000014.6 (MANE Select); 10 bases into the intron before coding-DNA position 1495, T replaced by C.
Molecular consequence: intron variant.
Genome position (GRCh38, 1-based): chr12:9,101,217, A>G on the plus strand (T>C on the coding strand, the complement: A2M is on the minus strand). VCF-style: chr12-9101217-A-G. GRCh37 (hg19) VCF-style: chr12-9253813-A-G.
Other names: c.1495-10T>C (NM_001347423.2); c.1045-10T>C (NM_001347425.2); c.1195-10T>C (NM_001347424.2).
Identifiers: ClinVar variation 3033677 (VCV003033677.2), dbSNP rs759727725, ClinGen allele CA6438642.

ClinVar aggregate classification (germline): Likely benign (0 of 4 stars; one submission).

Conditions:
A2M-related disorder. Also called: A2M-related condition.

Allele frequency attached by ClinVar (database versions not stated): gnomAD exomes below 0.00001; gnomAD 0.00001; ExAC 0.00004.
gnomAD v4.1: 7 of 1,554,844 alleles (0.00045%); highest among the groups gnomAD compares: East Asian, 0.0073%; no homozygotes.

Submission:

PreventionGenetics, part of Exact Sciences
Classification: Likely benign for A2M-related condition. Last evaluated: 2019-06-18. Review status: no assertion criteria provided. Collection method: clinical testing. Allele origin: germline.
Comment: This variant is classified as likely benign based on ACMG/AMP sequence variant interpretation guidelines (Richards et al. 2015 PMID: 25741868, with internal and published modifications).